The following is an entry in ClinVar:

ClinVar aggregate classification (germline): Likely benign. Review status: criteria provided, multiple submitters, no conflicts (2 of 4 stars). 2 submissions from 2 submitters: Likely benign (2). Last evaluated 2026-06-22.

Conditions:
Retinoblastoma (RB1). Also called: RETINOBLASTOMA, SOMATIC. Identifiers: Orphanet 790, MedGen C0035335, MeSH D012175, MONDO:0008380, OMIM 180200, HP:0009919. Disease mechanism: loss of function. Inheritance: Both sporadic and heritable forms are tested..

Allele frequency attached by ClinVar (database versions not stated): gnomAD 0.00001; gnomAD exomes 0.00002.
gnomAD v4.1: 10 of 1,612,144 alleles (0.00062%); highest among the groups gnomAD compares: South Asian, 0.0088%; no homozygotes.

Submissions (2):

Myriad Genetics, Inc.
Classification: Likely benign for Retinoblastoma. Last evaluated: 2026-06-22. Review status: criteria provided, single submitter. Criteria: Myriad Autosomal Dominant, Autosomal Recessive and X-Linked Classification Criteria (2023). Collection method: clinical testing. Allele origin: unknown.
Comment: This variant is considered likely benign. This variant is intronic and is not expected to impact mRNA splicing.

Labcorp Genetics (formerly Invitae), Labcorp
Classification: Likely benign for Retinoblastoma. Last evaluated: 2024-07-30. Review status: criteria provided, single submitter. Criteria: Invitae Variant Classification Sherloc (09022015). Collection method: clinical testing. Allele origin: germline.

NM_000321.3(RB1):c.1696-6A>T

Gene: RB1 (RB transcriptional corepressor 1; plus strand). Cytogenetic location: 13q14.2.
Variant type: single nucleotide variant.
Coding change: c.1696-6A>T on transcript NM_000321.3 (MANE Select); 6 bases into the intron before coding-DNA position 1696, A replaced by T.
Molecular consequence: intron variant.
Genome position (GRCh38, 1-based): chr13:48,452,987, A>T. VCF-style: chr13-48452987-A-T. GRCh37 (hg19) VCF-style: chr13-49027123-A-T.
Identifiers: ClinVar variation 788935 (VCV000788935.10), dbSNP rs1593529859, ClinGen allele CA645589929.